The following is an entry in ClinVar:

ClinVar aggregate classification (germline): Uncertain significance (1 of 4 stars; one submission).

Conditions:
Inborn genetic diseases. Identifiers: MedGen C0950123, MeSH D030342.

Submission:

Ambry Genetics
Classification: Uncertain significance for Inborn genetic diseases. Last evaluated: 2025-10-26. Review status: criteria provided, single submitter. Criteria: Ambry Variant Classification Scheme 2023. Collection method: clinical testing. Allele origin: germline.
Comment: The p.L404P variant (also known as c.1211T>C), located in coding exon 10 of the FANCG gene, results from a T to C substitution at nucleotide position 1211. The leucine at codon 404 is replaced by proline, an amino acid with similar properties. This amino acid position is conserved. In addition, this alteration is predicted to be deleterious by in silico analysis. Based on the available evidence, the clinical significance of this variant remains unclear.

NM_004629.2(FANCG):c.1211T>C (p.Leu404Pro)

Gene: FANCG (FA complementation group G; minus strand). Cytogenetic location: 9p13.3.
Variant type: single nucleotide variant.
Coding change: c.1211T>C on transcript NM_004629.2 (MANE Select); coding-DNA position 1211, T replaced by C.
Protein change: p.Leu404Pro; replaces leucine 404 with proline.
Molecular consequence: missense variant.
Genome position (GRCh38, 1-based): chr9:35,075,687, A>G on the plus strand (T>C on the coding strand, the complement: FANCG is on the minus strand). VCF-style: chr9-35075687-A-G. GRCh37 (hg19) VCF-style: chr9-35075684-A-G.
Other names: short protein forms L404P.
Identifiers: ClinVar variation 4619376 (VCV004619376.1).